The following is an entry in ClinVar:

ClinVar aggregate classification (germline): Uncertain significance (1 of 4 stars; one submission).

Conditions:
Hereditary cancer-predisposing syndrome. Also called: Neoplastic Syndromes, Hereditary; Tumor predisposition; Hereditary neoplastic syndrome; Hereditary Cancer Syndrome. Identifiers: Orphanet 140162, MedGen C0027672, MeSH D009386, MONDO:0015356.

Submission:

Ambry Genetics
Classification: Uncertain significance for Hereditary cancer-predisposing syndrome. Last evaluated: 2026-07-06. Review status: criteria provided, single submitter. Criteria: Ambry Variant Classification Scheme 2023. Collection method: clinical testing. Allele origin: germline.
Comment: The p.H96Q variant (also known as c.288C>G), located in coding exon 3 of the SDHAF2 gene, results from a C to G substitution at nucleotide position 288. The histidine at codon 96 is replaced by glutamine, an amino acid with highly similar properties. This amino acid position is conserved. In addition, this alteration is predicted to be tolerated by in silico analysis. Based on the available evidence, the clinical significance of this variant remains unclear.

NM_017841.4(SDHAF2):c.288C>G (p.His96Gln)

Gene: SDHAF2 (succinate dehydrogenase complex assembly factor 2; plus strand). Cytogenetic location: 11q12.2.
Variant type: single nucleotide variant.
Coding change: c.288C>G on transcript NM_017841.4 (MANE Select); coding-DNA position 288, C replaced by G.
Protein change: p.His96Gln; replaces histidine 96 with glutamine.
Molecular consequence: missense variant.
Genome position (GRCh38, 1-based): chr11:61,438,031, C>G. VCF-style: chr11-61438031-C-G. GRCh37 (hg19) VCF-style: chr11-61205503-C-G.
Other names: short protein forms H96Q.
Identifiers: ClinVar variation 5029226 (VCV005029226.1).